The following is an entry in ClinVar:

NM_000352.6(ABCC8):c.331G>A (p.Gly111Arg)

Gene: ABCC8 (ATP binding cassette subfamily C member 8; minus strand). Cytogenetic location: 11p15.1.
Variant type: single nucleotide variant.
Coding change: c.331G>A on transcript NM_000352.6 (MANE Select); coding-DNA position 331, G replaced by A.
Protein change: p.Gly111Arg; replaces glycine 111 with arginine.
Molecular consequence: missense variant. On other transcripts: non-coding transcript variant (1).
Genome position (GRCh38, 1-based): chr11:17,470,182, C>T on the plus strand (G>A on the coding strand, the complement: ABCC8 is on the minus strand). VCF-style: chr11-17470182-C-T. GRCh37 (hg19) VCF-style: chr11-17491729-C-T.
Other names: NM_000352.6(ABCC8):c.331G>A; c.331G>A (NM_000352.5); c.331G>A, p.Gly111Arg (NM_001287174.3, NM_001351295.2, NM_001351296.2 and 1 more transcripts); short protein forms G111R.
Identifiers: ClinVar variation 210074 (VCV000210074.24), dbSNP rs761749884, ClinGen allele CA277230.

ClinVar aggregate classification (germline): Pathogenic/Likely pathogenic. Review status: criteria provided, multiple submitters, no conflicts (2 of 4 stars). 11 submissions from 11 submitters: Pathogenic (8); Likely pathogenic (2). 1 of the submissions does not count toward it. Last evaluated 2025-12-24.

Conditions:
Familial hyperinsulinism. Also called: Congenital hyperinsulinism. Identifiers: Orphanet 276525, MedGen C3888018, MONDO:0017182. Disease mechanism: loss of function.
Hereditary hyperinsulinism.
Leucine-induced hypoglycemia (LIH). Also called: LEUCINE-SENSITIVE HYPOGLYCEMIA OF INFANCY. Identifiers: MedGen C0271714, MONDO:0009415, OMIM 240800.
Diabetes mellitus, transient neonatal, 2 (TNDM2). Identifiers: Orphanet 99886, MedGen C1835887, MONDO:0012480, OMIM 610374. Disease mechanism: loss of function.
Hyperinsulinemic hypoglycemia, familial, 1 (HHF1). Also called: HYPERINSULINISM, FAMILIAL, WITH PANCREATIC NESIDIOBLASTOSIS; HYPOGLYCEMIA, HYPERINSULINEMIC, OF INFANCY; Persistent hyperinsulinemic hypoglycemia of infancy; Persistent Hyperinsulinemia Hypoglycemia of Infancy; NESIDIOBLASTOSIS OF PANCREAS. Identifiers: Orphanet 276575, Orphanet 276598, MedGen C2931832, MONDO:0009734, OMIM 256450.
Type 2 diabetes mellitus. Also called: Type II diabetes mellitus. Identifiers: MedGen C0011860, MeSH D003924, MONDO:0005148, OMIM 125853, HP:0005978.
Diabetes mellitus, permanent neonatal 3. Also called: ABCC8-Related Permanent Neonatal Diabetes Mellitus. Identifiers: MedGen C5394303, MONDO:0030088, OMIM 618857.

Allele frequency attached by ClinVar (database versions not stated): gnomAD exomes below 0.00001 and 0.00001; TOPMed below 0.00001; gnomAD 0.00001 and 0.00002; ExAC 0.00002.
gnomAD v4.1: 10 of 1,614,026 alleles (0.00062%); highest among the groups gnomAD compares: South Asian, 0.0044%; no homozygotes.

Submissions (11):

Natera, Inc.
Classification: Pathogenic for Hereditary hyperinsulinism. Last evaluated: 2025-12-24. Review status: criteria provided, single submitter. Criteria: Natera Variant Classification Schema (03/2026). Collection method: clinical testing. Allele origin: germline.
Comment: The c.331G>A variant in ABCC8 is a missense variant predicted to cause substitution of glycine to arginine at amino acid 111. This variant is rare in the general population with a frequency below the threshold expected for the associated phenotype(s). This variant has been observed in one or more individuals affected with the associated recessive disease, as either homozygous or compound heterozygous with a second variant (PMID: 23345197). Given the available evidence, this variant is classified as Pathogenic.

Revvity Omics, Revvity
Classification: Likely pathogenic. Last evaluated: 2024-11-25. Review status: criteria provided, single submitter. Criteria: ACMG Guidelines, 2015. Collection method: clinical testing. Allele origin: germline.

Fulgent Genetics
Classification: Pathogenic for Type 2 diabetes mellitus; Leucine-induced hypoglycemia; Hyperinsulinemic hypoglycemia, familial, 1; Diabetes mellitus, transient neonatal, 2; Diabetes mellitus, permanent neonatal 3. Last evaluated: 2024-01-20. Review status: criteria provided, single submitter. Criteria: ACMG Guidelines, 2015. Collection method: clinical testing. Allele origin: germline.

Labcorp Genetics (formerly Invitae), Labcorp
Classification: Pathogenic. Last evaluated: 2023-12-30. Review status: criteria provided, single submitter. Criteria: Invitae Variant Classification Sherloc (09022015). Collection method: clinical testing. Allele origin: germline.
Comment: This sequence change replaces glycine, which is neutral and non-polar, with arginine, which is basic and polar, at codon 111 of the ABCC8 protein (p.Gly111Arg). This variant is present in population databases (rs761749884, gnomAD 0.003%). This missense change has been observed in individuals with autosomal recessive familial hyperinsulinism (PMID: 20943781, 21992908, 23345197, 23652837, 25117148, 25201519, 30352420). ClinVar contains an entry for this variant (Variation ID: 210074). Advanced modeling of protein sequence and biophysical properties (such as structural, functional, and spatial information, amino acid conservation, physicochemical variation, residue mobility, and thermodynamic stability) has been performed at Invitae for this missense variant, however the output from this modeling did not meet the statistical confidence thresholds required to predict the impact of this variant on ABCC8 protein function. Experimental studies have shown that this missense change affects ABCC8 function (PMID: 15579781, 27573238). For these reasons, this variant has been classified as Pathogenic.

Baylor Genetics
Classification: Pathogenic for Type 2 diabetes mellitus. Last evaluated: 2023-09-26. Review status: criteria provided, single submitter. Criteria: ACMG Guidelines, 2015. Collection method: clinical testing. Allele origin: unknown.

Broad Center for Mendelian Genomics, Broad Institute of MIT and Harvard
Classification: Pathogenic for Hyperinsulinemic hypoglycemia, familial, 1. Last evaluated: 2023-08-16. Review status: criteria provided, single submitter. Criteria: ACMG Guidelines, 2015. Collection method: curation. Allele origin: germline. Inheritance: Autosomal recessive inheritance.
Comment: The p.Gly111Arg variant in ABCC8 has been reported in >10 individuals with hyperinsulinemic hypoglycemia (PMID: 15579781, 15466080, 20943781, 23652837, 23345197, 25117148, 25201519, 25972930), and has been identified in 0.003% (1/30612) of South Asian chromosomes by the Genome Aggregation Database (gnomAD; dbSNP rs761749884). Although this variant has been seen in the general population in a heterozygous state, its frequency is low enough to be consistent with a recessive carrier frequency. This variant has also been reported in ClinVar (Variation ID: 210074) and has been interpreted as pathogenic by Invitae, Women's Health and Genetics/Laboratory Corporation of America (LabCorp), and Genetic Services Laboratory (University of Chicago) and as likely pathogenic by Counsyl and Molecular Genetics (Madras Diabetes Research Foundation). Of the many affected individuals, at least 3 were compound heterozygotes that carried a reported pathogenic variant in trans, and at least 2 were homozygotes, which increases the likelihood that the p.Gly111Arg variant is pathogenic (Variation ID: 551999; PMID: 23652837, 15466080, 23345197, 15579781, 20943781). In vitro functional studies provide some evidence that the p.Gly111Arg variant may slightly impact protein function (PMID: 15579781). However, these types of assays may not accurately represent biological function. Computational prediction tools and conservation analyses do not provide strong support for or against an impact to the protein. In summary, this variant meets criteria to be classified as pathogenic for autosomal recessive hyperinsulinemic hypoglycemia. ACMG/AMP Criteria applied: PM3_very_strong, PM2_supporting, PS3_supporting (Richards 2015).

Women's Health and Genetics/Laboratory Corporation of America, LabCorp
Classification: Pathogenic for Familial hyperinsulinism. Last evaluated: 2021-12-14. Review status: criteria provided, single submitter. Criteria: LabCorp Variant Classification Summary - May 2015. Collection method: clinical testing. Allele origin: germline.
Comment: Variant summary: ABCC8 c.331G>A (p.Gly111Arg) results in a non-conservative amino acid change in the encoded protein sequence. Three of five in-silico tools predict a damaging effect of the variant on protein function. The variant allele was found at a frequency of 8e-06 in 251372 control chromosomes. c.331G>A has been reported in the literature in multiple individuals affected with Congenital Hyperinsulinism (Kapoor_2013, Wang_2017). These data indicate that the variant is very likely to be associated with disease. To our knowledge, no experimental evidence demonstrating an impact on protein function has been reported. Three clinical diagnostic laboratories have submitted clinical-significance assessments for this variant to ClinVar after 2014 without evidence for independent evaluation. All laboratories classified the variant as pathogenic/likely pathogenic. Based on the evidence outlined above, the variant was classified as pathogenic.

Genetic Services Laboratory, University of Chicago
Classification: Pathogenic for Hyperinsulinemic hypoglycemia, familial, 1. Last evaluated: 2015-06-16. Review status: criteria provided, single submitter. Criteria: ACMG Guidelines, 2015. Collection method: clinical testing. Allele origin: germline. Affected: yes.

Molecular Genetics, Madras Diabetes Research Foundation
Classification: Likely pathogenic for Hyperinsulinemic hypoglycemia, familial, 1. Review status: criteria provided, single submitter. Criteria: ACMG Guidelines, 2015. Collection method: clinical testing. Allele origin: germline. Affected: yes.

Neuberg Centre For Genomic Medicine, NCGM
Classification: Pathogenic for Hyperinsulinemic hypoglycemia, familial, 1. Review status: criteria provided, single submitter. Criteria: ACMG Guidelines, 2015. Collection method: clinical testing. Allele origin: germline. Inheritance: Autosomal recessive inheritance. Affected: yes.

Counsyl
Classification: Likely pathogenic for Hyperinsulinemic hypoglycemia, familial, 1. Last evaluated: 2016-06-07. Review status: no assertion criteria provided. Collection method: clinical testing. Allele origin: unknown. Not counted in ClinVar's aggregate classification.

Literature cited by the submitters: PubMed 23345197 (cited by 4 submitters); PubMed 20943781 (cited by Labcorp Genetics (formerly Invitae), Labcorp); PubMed 21992908 (cited by Labcorp Genetics (formerly Invitae), Labcorp and Counsyl); PubMed 23652837 (cited by Labcorp Genetics (formerly Invitae), Labcorp); PubMed 25117148 (cited by 3 submitters); PubMed 25201519 (cited by Labcorp Genetics (formerly Invitae), Labcorp); PubMed 30352420 (cited by Labcorp Genetics (formerly Invitae), Labcorp); PubMed 15579781 (cited by 3 submitters); PubMed 27573238 (cited by Labcorp Genetics (formerly Invitae), Labcorp); PubMed 16416420 (cited by Women's Health and Genetics/Laboratory Corporation of America, LabCorp); PubMed 18767144 (cited by Women's Health and Genetics/Laboratory Corporation of America, LabCorp); PubMed 28270372 (cited by Women's Health and Genetics/Laboratory Corporation of America, LabCorp).